The following is an entry in ClinVar:

ClinVar aggregate classification (germline): Uncertain significance (1 of 4 stars; one submission).

Submission:

Labcorp Genetics (formerly Invitae), Labcorp
Classification: Uncertain significance. Last evaluated: 2024-05-07. Review status: criteria provided, single submitter. Criteria: Invitae Variant Classification Sherloc (09022015). Collection method: clinical testing. Allele origin: germline.
Comment: This sequence change replaces threonine, which is neutral and polar, with alanine, which is neutral and non-polar, at codon 1668 of the RIMS1 protein (p.Thr1668Ala). This variant is not present in population databases (gnomAD no frequency). This variant has not been reported in the literature in individuals affected with RIMS1-related conditions. An algorithm developed to predict the effect of missense changes on protein structure and function (PolyPhen-2) suggests that this variant is likely to be tolerated. In summary, the available evidence is currently insufficient to determine the role of this variant in disease. Therefore, it has been classified as a Variant of Uncertain Significance.

NM_014989.7(RIMS1):c.5002A>G (p.Thr1668Ala)

Gene: RIMS1 (regulating synaptic membrane exocytosis 1; plus strand). Cytogenetic location: 6q13.
Variant type: single nucleotide variant.
Coding change: c.5002A>G on transcript NM_014989.7 (MANE Select); coding-DNA position 5002, A replaced by G.
Protein change: p.Thr1668Ala; replaces threonine 1668 with alanine.
Molecular consequence: missense variant.
Genome position (GRCh38, 1-based): chr6:72,400,637, A>G. VCF-style: chr6-72400637-A-G. GRCh37 (hg19) VCF-style: chr6-73110339-A-G.
Other names: c.2449A>G, p.Thr817Ala (NM_001350417.2); c.2941A>G, p.Thr981Ala (NM_001350418.2); c.2221A>G, p.Thr741Ala (NM_001350419.2); c.3076A>G, p.Thr1026Ala (NM_001350420.2); c.2821A>G, p.Thr941Ala (NM_001350421.2); c.2446A>G, p.Thr816Ala (NM_001350422.2); c.2710A>G, p.Thr904Ala (NM_001350423.2); c.2308A>G, p.Thr770Ala (NM_001350424.2); and 54 more; short protein forms T1017A, T1050A, T741A, T762A, T765A, T770A, T777A, T802A.
Identifiers: ClinVar variation 3689477 (VCV003689477.2).